The following is an entry in ClinVar:

NM_000245.4(MET):c.2242C>A (p.His748Asn)

Gene: MET (MET proto-oncogene, receptor tyrosine kinase; plus strand). Cytogenetic location: 7q31.2.
Variant type: single nucleotide variant.
Coding change: c.2242C>A on transcript NM_000245.4 (MANE Select); coding-DNA position 2242, C replaced by A.
Protein change: p.His748Asn; replaces histidine 748 with asparagine.
Molecular consequence: missense variant.
Genome position (GRCh38, 1-based): chr7:116,758,598, C>A. VCF-style: chr7-116758598-C-A. GRCh37 (hg19) VCF-style: chr7-116398652-C-A.
Other names: c.2242C>A (NM_001127500.1); c.2242C>A, p.His748Asn (NM_001127500.3, NM_001324401.3); c.952C>A, p.His318Asn (NM_001324402.2); short protein forms H748N, H318N.
Identifiers: ClinVar variation 1422640 (VCV001422640.10), dbSNP rs2116932590, ClinGen allele CA368980843.

ClinVar aggregate classification (germline): Conflicting classifications of pathogenicity. Review status: criteria provided, conflicting classifications (1 of 4 stars). 2 submissions from 2 submitters: Uncertain significance (1); Likely benign (1). Last evaluated 2026-07-30.

Conditions:
Hereditary cancer-predisposing syndrome. Also called: Hereditary Cancer Syndrome; Neoplastic Syndromes, Hereditary; Hereditary neoplastic syndrome; Tumor predisposition. Identifiers: Orphanet 140162, MedGen C0027672, MeSH D009386, MONDO:0015356.
Renal cell carcinoma. Identifiers: Orphanet 217071, MedGen C0007134, MeSH D002292, MONDO:0005086, HP:0005584.

Submissions (2):

Ambry Genetics
Classification: Likely benign for Hereditary cancer-predisposing syndrome. Last evaluated: 2026-07-30. Review status: criteria provided, single submitter. Criteria: Ambry Variant Classification Scheme 2023. Collection method: clinical testing. Allele origin: germline.

Labcorp Genetics (formerly Invitae), Labcorp
Classification: Uncertain significance for Renal cell carcinoma. Last evaluated: 2022-05-29. Review status: criteria provided, single submitter. Criteria: Invitae Variant Classification Sherloc (09022015). Collection method: clinical testing. Allele origin: germline.
Comment: In summary, the available evidence is currently insufficient to determine the role of this variant in disease. Therefore, it has been classified as a Variant of Uncertain Significance. Algorithms developed to predict the effect of missense changes on protein structure and function (SIFT, PolyPhen-2, Align-GVGD) all suggest that this variant is likely to be tolerated. This sequence change replaces histidine, which is basic and polar, with asparagine, which is neutral and polar, at codon 748 of the MET protein (p.His748Asn). This variant is not present in population databases (gnomAD no frequency). This variant has not been reported in the literature in individuals affected with MET-related conditions. ClinVar contains an entry for this variant (Variation ID: 1422640).